The following is an entry in ClinVar:

ClinVar aggregate classification (germline): Uncertain significance. Review status: criteria provided, multiple submitters, no conflicts (2 of 4 stars). 2 submissions from 2 submitters: Uncertain significance (2). Last evaluated 2024-10-03.

Conditions:
Inborn genetic diseases. Identifiers: MedGen C0950123, MeSH D030342.
Congenital dyserythropoietic anemia, type II (CDAN2). Also called: DYSERYTHROPOIETIC ANEMIA, HEMPAS TYPE. Identifiers: Orphanet 98873, MedGen C1306589, MONDO:0009134, OMIM 224100.
Cowden syndrome 7 (CWS7). Identifiers: Orphanet 201, MedGen C4225179, MONDO:0014802, OMIM 616858.

Allele frequency attached by ClinVar (database versions not stated): gnomAD 0.00001; gnomAD exomes 0.00001; ExAC 0.00002.
gnomAD v4.1: 17 of 1,613,264 alleles (0.0011%); highest among the groups gnomAD compares: Middle Eastern, 0.016%; 1 homozygote.

Submissions (2):

Ambry Genetics
Classification: Uncertain significance for Inborn genetic diseases. Last evaluated: 2024-10-03. Review status: criteria provided, single submitter. Criteria: Ambry Variant Classification Scheme 2023. Collection method: clinical testing. Allele origin: germline.

Labcorp Genetics (formerly Invitae), Labcorp
Classification: Uncertain significance for Congenital dyserythropoietic anemia, type II; Cowden syndrome 7. Last evaluated: 2023-10-13. Review status: criteria provided, single submitter. Criteria: Invitae Variant Classification Sherloc (09022015). Collection method: clinical testing. Allele origin: germline.
Comment: This sequence change replaces serine, which is neutral and polar, with threonine, which is neutral and polar, at codon 765 of the SEC23B protein (p.Ser765Thr). This variant is present in population databases (rs775101025, gnomAD 0.01%). This variant has not been reported in the literature in individuals affected with SEC23B-related conditions. An algorithm developed to predict the effect of missense changes on protein structure and function (PolyPhen-2) suggests that this variant¬†is likely to be tolerated. In summary, the available evidence is currently insufficient to determine the role of this variant in disease. Therefore, it has been classified as a Variant of Uncertain Significance.

NM_006363.6(SEC23B):c.2294G>C (p.Ser765Thr)

Gene: SEC23B (SEC23 homolog B, COPII component; plus strand). Cytogenetic location: 20p11.23.
Variant type: single nucleotide variant.
Coding change: c.2294G>C on transcript NM_006363.6 (MANE Select); coding-DNA position 2294, G replaced by C.
Protein change: p.Ser765Thr; replaces serine 765 with threonine.
Molecular consequence: missense variant.
Genome position (GRCh38, 1-based): chr20:18,560,730, G>C. VCF-style: chr20-18560730-G-C. GRCh37 (hg19) VCF-style: chr20-18541374-G-C.
Other names: c.2294G>C (NM_006363.4); c.2294G>C, p.Ser765Thr (NM_001172745.3, NM_032985.6, NM_032986.5); c.2240G>C, p.Ser747Thr (NM_001172746.3); short protein forms S747T, S765T.
Identifiers: ClinVar variation 2927438 (VCV002927438.2), dbSNP rs775101025, ClinGen allele CA9778657.